The following is an entry in ClinVar:

ClinVar aggregate classification (germline): Uncertain significance (1 of 4 stars; one submission).

Conditions:
Autosomal recessive limb-girdle muscular dystrophy type 2J (LGMDR10). Also called: Limb-girdle muscular dystrophy, type 2J; MUSCULAR DYSTROPHY, LIMB-GIRDLE, AUTOSOMAL RECESSIVE 10. Identifiers: Orphanet 140922, MedGen C1837342, MONDO:0012127, OMIM 608807.
Dilated cardiomyopathy 1G (CMD1G). Identifiers: Orphanet 154, MedGen C1858763, MONDO:0011400, OMIM 604145.

gnomAD v4.1: 3 of 1,613,732 alleles (0.00019%); highest among the groups gnomAD compares: Non-Finnish European, 0.000085%; no homozygotes.

Submission:

Labcorp Genetics (formerly Invitae), Labcorp
Classification: Uncertain significance for Dilated cardiomyopathy 1G; Autosomal recessive limb-girdle muscular dystrophy type 2J. Last evaluated: 2026-01-29. Review status: criteria provided, single submitter. Criteria: Invitae Variant Classification Sherloc (09022015). Collection method: clinical testing. Allele origin: germline.
Comment: This sequence change replaces arginine, which is basic and polar, with lysine, which is basic and polar, at codon 34881 of the TTN protein (p.Arg34881Lys). This variant is present in population databases (rs548838318, gnomAD 0.0009%). This variant has not been reported in the literature in individuals affected with TTN-related conditions. Experimental studies and prediction algorithms are not available or were not evaluated, and the functional significance of this variant is currently unknown. In summary, the available evidence is currently insufficient to determine the role of this variant in disease. Therefore, it has been classified as a Variant of Uncertain Significance.

NM_001267550.2(TTN):c.104642G>A (p.Arg34881Lys)

Genes: TTN-AS1 (TTN antisense RNA 1; plus strand), TTN (titin; minus strand). Cytogenetic location: 2q31.2.
Variant type: single nucleotide variant.
Coding change: c.104642G>A on transcript NM_001267550.2 (MANE Select); coding-DNA position 104642, G replaced by A.
Protein change: p.Arg34881Lys; replaces arginine 34881 with lysine.
Molecular consequence: missense variant.
Genome position (GRCh38, 1-based): chr2:178,531,973, C>T on the plus strand (G>A on the coding strand, the complement: TTN is on the minus strand). VCF-style: chr2-178531973-C-T. GRCh37 (hg19) VCF-style: chr2-179396700-C-T.
Other names: c.99719G>A, p.Arg33240Lys (NM_001256850.1); c.77447G>A, p.Arg25816Lys (NM_003319.4); c.96938G>A, p.Arg32313Lys (NM_133378.4); c.77822G>A, p.Arg25941Lys (NM_133432.3); c.78023G>A, p.Arg26008Lys (NM_133437.4); short protein forms R33240K, R34881K, R26008K, R25816K, R25941K, R32313K.
Identifiers: ClinVar variation 4788310 (VCV004788310.1).
Genomic context (GRCh38, chr2:178,531,973, plus strand): 5'-CTCTCAAATCTCGAGAGTGATCTCTCACTAGACACAGGGCTGGGGGATCGTGGGCGAGTT[C>T]TCTCTGGAGTAGGTGACCTTCTTTCTGTGTCATCTTCGTATTCCTCAGCCGGTTGTGGAC-3'
Protein context (NP_001254479.2, residues 34871-34891): DTERRSPTPE[Arg34881Lys]TRPRSPSPVS